The following is an entry in ClinVar:

ClinVar aggregate classification (germline): Uncertain significance. Review status: criteria provided, multiple submitters, no conflicts (2 of 4 stars). 2 submissions from 2 submitters: Uncertain significance (2). Last evaluated 2024-03-07.

Conditions:
Cardiomyopathy (CMYO). Also called: Cardiomyopathies. Identifiers: Orphanet 167848, MedGen C0878544, MONDO:0004994, HP:0001638. Inheritance: Various modes of inheritance.
Hypertrophic cardiomyopathy. Also called: HYPERTROPHIC MYOCARDIOPATHY. Identifiers: Orphanet 217569, MedGen C0007194, MeSH D002312, MONDO:0005045, HP:0001639.

Submissions (2):

Color Diagnostics, LLC DBA Color Health
Classification: Uncertain significance for Cardiomyopathy. Last evaluated: 2024-03-07. Review status: criteria provided, single submitter. Criteria: ACMG Guidelines, 2015. Collection method: clinical testing. Allele origin: germline.
Comment: This missense variant replaces asparagine with serine at codon 1933 of the MYH7 protein. Computational prediction suggests that this variant may not impact protein structure and function (internally defined REVEL score threshold <= 0.5, PMID: 27666373). To our knowledge, functional studies have not been reported for this variant. This variant has not been reported in individuals affected with cardiovascular disorders in the literature. This variant has not been identified in the general population by the Genome Aggregation Database (gnomAD). The available evidence is insufficient to determine the role of this variant in disease conclusively. Therefore, this variant is classified as a Variant of Uncertain Significance.

Labcorp Genetics (formerly Invitae), Labcorp
Classification: Uncertain significance for Hypertrophic cardiomyopathy. Last evaluated: 2020-12-06. Review status: criteria provided, single submitter. Criteria: Invitae Variant Classification Sherloc (09022015). Collection method: clinical testing. Allele origin: germline.
Comment: In summary, the available evidence is currently insufficient to determine the role of this variant in disease. Therefore, it has been classified as a Variant of Uncertain Significance. This sequence change replaces asparagine with serine at codon 1933 of the MYH7 protein (p.Asn1933Ser). The asparagine residue is highly conserved and there is a small physicochemical difference between asparagine and serine. This variant is not present in population databases (ExAC no frequency). This variant has not been reported in the literature in individuals with MYH7-related conditions. Algorithms developed to predict the effect of missense changes on protein structure and function are either unavailable or do not agree on the potential impact of this missense change (SIFT: "Deleterious"; PolyPhen-2: "Benign"; Align-GVGD: "Class C0"). Algorithms developed to predict the effect of sequence changes on RNA splicing suggest that this variant may create or strengthen a splice site, but this prediction has not been confirmed by published transcriptional studies.

NM_000257.4(MYH7):c.5798A>G (p.Asn1933Ser)

Gene: MYH7 (myosin heavy chain 7; minus strand). Cytogenetic location: 14q11.2.
Variant type: single nucleotide variant.
Coding change: c.5798A>G on transcript NM_000257.4 (MANE Select); coding-DNA position 5798, A replaced by G.
Protein change: p.Asn1933Ser; replaces asparagine 1933 with serine.
Molecular consequence: missense variant.
Genome position (GRCh38, 1-based): chr14:23,412,864, T>C on the plus strand (A>G on the coding strand, the complement: MYH7 is on the minus strand). VCF-style: chr14-23412864-T-C. GRCh37 (hg19) VCF-style: chr14-23882073-T-C.
Other names: short protein forms N1933S.
Identifiers: ClinVar variation 1352285 (VCV001352285.10), dbSNP rs2138633164, ClinGen allele CA389033394.